The following is an entry in ClinVar:

NM_000548.5(TSC2):c.4235dup (p.Pro1412_Glu1413insTer)

Gene: TSC2 (TSC complex subunit 2; plus strand). Cytogenetic location: 16p13.3.
Variant type: Duplication.
Coding change: c.4235dup on transcript NM_000548.5 (MANE Select); coding-DNA position 4235, one base duplicated (C; older notation c.4235dupC).
Protein change: p.Pro1412_Glu1413insTer.
Molecular consequence: frameshift variant. On other transcripts: non-coding transcript variant (5).
Genome position (GRCh38, 1-based): chr16:2,084,457, C duplicated; the last of 3 consecutive C bases (chr16:2,084,455-2,084,457); duplicating any one gives the same sequence. VCF-style (leftmost placement, unchanged base first): chr16-2084454-G-GC. GRCh37 (hg19) VCF-style: chr16-2134455-G-GC.
Other names: c.4034dup, p.Pro1345_Glu1346insTer (NM_001077183.3); c.4166dup, p.Pro1389_Glu1390insTer (NM_001114382.3); c.3926dup, p.Pro1309_Glu1310insTer (NM_001318827.2); c.3890dup, p.Pro1297_Glu1298insTer (NM_001318829.2); c.3503dup, p.Pro1168_Glu1169insTer (NM_001318831.2); c.4067dup, p.Pro1356_Glu1357insTer (NM_001318832.2); c.4037dup, p.Pro1346_Glu1347insTer (NM_001363528.2); c.4103dup, p.Pro1368_Glu1369insTer (NM_001370404.1); and 26 more.
Identifiers: ClinVar variation 4531528 (VCV004531528.1).

ClinVar aggregate classification (germline): Pathogenic (1 of 4 stars; one submission).

Conditions:
Tuberous sclerosis 2 (TSC2). Identifiers: Orphanet 805, MedGen C1860707, MONDO:0013199, OMIM 613254.

Submission:

Victorian Clinical Genetics Services, Murdoch Childrens Research Institute
Classification: Pathogenic for Tuberous sclerosis 2. Last evaluated: 2024-12-01. Review status: criteria provided, single submitter. Criteria: ACMG Guidelines, 2015. Collection method: clinical testing. Allele origin: germline. Affected: yes.
Comment: This variant is classified as Pathogenic. Evidence in support of pathogenic classification: Variant is predicted to cause nonsense-mediated decay (NMD) and loss of protein (premature termination codon is located at least 54 nucleotides upstream of the final exon-exon junction); Variant is absent from gnomAD (v2, v3 and v4); This variant has limited previous evidence of pathogenicity in an unrelated individual(s). An alternative nucleotide duplication resulting in the same protein outcome, c.4236dupT p.(Glu1413*), has been reported in a heterozygous individual with tuberous sclerosis complex (PMID: 27859028); Other NMD-predicted variant(s) comparable to the one identified in this case have very strong previous evidence for pathogenicity (DECIPHER). Additional information: This variant was reported to be mosaic; however, the testing was performed in a research setting; This gene is associated with autosomal dominant disease; No published segregation evidence has been identified for this variant; No published functional evidence has been identified for this variant; Loss of function is a known mechanism of disease in this gene and is associated with tuberous sclerosis-2 (MIM#613254); Variants in this gene are known to have variable expressivity. Clinical manifestations demonstrate great phenotypic variability, where even within families the clinical symptoms may vary significantly among individuals (PMID: 31018109); Inheritance information for this variant is not currently available in this individual.

Literature cited by the submitters: PubMed 27859028; PubMed 31018109.